The following is an entry in ClinVar:

NM_015141.4(GPD1L):c.648C>T (p.Cys216=)

Gene: GPD1L (glycerol-3-phosphate dehydrogenase 1 like; plus strand). Cytogenetic location: 3p22.3.
Variant type: single nucleotide variant.
Coding change: c.648C>T on transcript NM_015141.4 (MANE Select); coding-DNA position 648, C replaced by T.
Protein change: p.Cys216=; no amino-acid change (cysteine 216 retained).
Molecular consequence: synonymous variant.
Genome position (GRCh38, 1-based): chr3:32,158,905, C>T. VCF-style: chr3-32158905-C-T. GRCh37 (hg19) VCF-style: chr3-32200397-C-T.
Identifiers: ClinVar variation 1753813 (VCV001753813.9), dbSNP rs145648143, ClinGen allele CA2296718.

ClinVar aggregate classification (germline): Likely benign. Review status: criteria provided, multiple submitters, no conflicts (2 of 4 stars). 3 submissions from 3 submitters: Likely benign (2). 1 of the submissions does not count toward it. Last evaluated 2024-09-02.

Conditions:
Brugada syndrome. Also called: Sudden unexpected nocturnal death syndrome; Sudden Unexplained Death Syndrome; Sudden Unexplained Nocturnal Death Syndrome (SUNDS); Sudden unexplained nocturnal death syndrome. Identifiers: Orphanet 130, MedGen C1142166, MONDO:0015263.
GPD1L-related disorder. Also called: GPD1L-related condition.
Cardiovascular phenotype. Identifiers: MedGen CN230736.

Allele frequency attached by ClinVar (database versions not stated): gnomAD exomes 0.00001; TOPMed 0.00001; gnomAD 0.00002; ExAC 0.00001; ESP Exome Variant Server 0.00008.
gnomAD v4.1: 21 of 1,613,862 alleles (0.0013%); highest among the groups gnomAD compares: African/African-American, 0.0093%; no homozygotes.

Submissions (3):

Labcorp Genetics (formerly Invitae), Labcorp
Classification: Likely benign for Brugada syndrome. Last evaluated: 2024-09-02. Review status: criteria provided, single submitter. Criteria: Invitae Variant Classification Sherloc (09022015). Collection method: clinical testing. Allele origin: germline.

Ambry Genetics
Classification: Likely benign for Cardiovascular phenotype. Last evaluated: 2022-09-24. Review status: criteria provided, single submitter. Criteria: Ambry Variant Classification Scheme 2023. Collection method: clinical testing. Allele origin: germline.

PreventionGenetics, part of Exact Sciences
Classification: Likely benign for GPD1L-related condition. Last evaluated: 2019-07-01. Review status: no assertion criteria provided. Collection method: clinical testing. Allele origin: germline. Not counted in ClinVar's aggregate classification.
Comment: This variant is classified as likely benign based on ACMG/AMP sequence variant interpretation guidelines (Richards et al. 2015 PMID: 25741868, with internal and published modifications).